The following is an entry in ClinVar:

NM_006579.3(EBP):c.329G>A (p.Arg110Gln)

Gene: EBP (EBP cholestenol delta-isomerase; plus strand). Cytogenetic location: Xp11.23.
Variant type: single nucleotide variant.
Coding change: c.329G>A on transcript NM_006579.3 (MANE Select); coding-DNA position 329, G replaced by A.
Protein change: p.Arg110Gln; replaces arginine 110 with glutamine.
Molecular consequence: missense variant.
Genome position (GRCh38, 1-based): chrX:48,527,016, G>A. VCF-style: chrX-48527016-G-A. GRCh37 (hg19) VCF-style: chrX-48385404-G-A.
Other names: short protein forms R110Q.
Identifiers: ClinVar variation 807598 (VCV000807598.7), dbSNP rs1602090481, ClinGen allele CA412852168.
Genomic context (GRCh38, chrX:48,527,016, plus strand): 5'-TTATTCTTCATATCTCTCTCTTCTTTTCTTCAGGGAAAGAGTATGCCAAGGGAGACAGCC[G>A]ATACATCCTGTAAGTGTTTGCCTCTGTCAATGGAGACTGGCATTGGTTTTCGGGGGGTGG-3'
Protein context (NP_006570.1, residues 100-120): LWKEYAKGDS[Arg110Gln]YILGDNFTVC

ClinVar aggregate classification (germline): Pathogenic/Likely pathogenic. Review status: criteria provided, multiple submitters, no conflicts (2 of 4 stars). 3 submissions from 3 submitters: Pathogenic (2); Likely pathogenic (1). Last evaluated 2026-06-18.

Conditions:
Chondrodysplasia punctata 2 X-linked dominant (CDPX2). Also called: Hunermann-Conradi Syndrome; EBP-Related X-Linked Chondrodysplasia Punctata; CONRADI-HUNERMANN-HAPPLE SYNDROME; HAPPLE SYNDROME. Identifiers: Orphanet 35173, MedGen C0282102, MONDO:0020603, OMIM 302960.

Submissions (3):

Victorian Clinical Genetics Services, Murdoch Childrens Research Institute
Classification: Pathogenic for Chondrodysplasia punctata 2 X-linked dominant. Last evaluated: 2026-06-18. Review status: criteria provided, single submitter. Criteria: ACMG Guidelines, 2015. Collection method: clinical testing. Allele origin: germline. Affected: yes.
Comment: This variant is classified as Pathogenic. Evidence in support of pathogenic classification: Variant is absent from gnomAD (v2, v3 and v4); This variant has strong previous evidence of pathogenicity in unrelated individuals. This variant has been classified as pathogenic or likely pathogenic by clinical laboratories in ClinVar, and has been reported in the literature in individuals with chondroplasia punctata (PMIDs: 10391218, 17378690, 22121851); Missense variant predicted to be damaging by in silico tool(s) or highly conserved with a major amino acid change; Additional information: Variant is predicted to result in a missense amino acid change from Arg to Gln; This variant is heterozygous; This gene is associated with X-linked disease. Chondrodysplasia punctata (MIM#302960) primarily affects females, while MEND syndrome (MIM#300960) affects males; No comparable missense variants have previous evidence for pathogenicity; Variant is located in the annotated EXPanded EBP superfamily domain (DECIPHER); Loss of function is a known mechanism of disease in this gene and is associated with MEND syndrome (MIM#300960) and chondrodysplasia punctata (MIM#302960).

GeneDx
Classification: Likely pathogenic. Last evaluated: 2020-09-16. Review status: criteria provided, single submitter. Criteria: GeneDx Variant Classification Process June 2021. Collection method: clinical testing. Allele origin: germline. Affected: yes.
Comment: Not observed in large population cohorts (Lek et al., 2016); In silico analysis supports that this missense variant has a deleterious effect on protein structure/function; This variant is associated with the following publications: (PMID: 24036494, 17378690, 22394443, 10391218, 22121851, 11038443)

Institute of Human Genetics Munich, TUM University Hospital
Classification: Pathogenic for Chondrodysplasia punctata 2 X-linked dominant. Last evaluated: 2020-01-17. Review status: criteria provided, single submitter. Criteria: Classification criteria August 2017. Collection method: clinical testing. Allele origin: de novo. Inheritance: X-linked inheritance. Affected: yes. Observed: 1 heterozygote.

Literature cited by the submitters: PubMed 17378690 (cited by Victorian Clinical Genetics Services, Murdoch Childrens Research Institute); PubMed 22121851 (cited by Victorian Clinical Genetics Services, Murdoch Childrens Research Institute); PubMed 10391218 (cited by Victorian Clinical Genetics Services, Murdoch Childrens Research Institute).